The following is an entry in ClinVar:

ClinVar aggregate classification (germline): Uncertain significance (1 of 4 stars; one submission).

Submission:

Mayo Clinic Laboratories, Mayo Clinic
Classification: Uncertain significance. Last evaluated: 2025-12-04. Review status: criteria provided, single submitter. Criteria: ACMG Guidelines, 2015. Collection method: clinical testing. Allele origin: germline. Observed: 1 variant allele.
Comment: PM2_supporting

NM_017491.5(WDR1):c.1641del (p.Phe547fs)

Gene: WDR1 (WD repeat domain 1; minus strand). Cytogenetic location: 4p16.1.
Variant type: Deletion.
Coding change: c.1641del on transcript NM_017491.5 (MANE Select); coding-DNA position 1641, one base deleted (T; older notation c.1641delT).
Protein change: p.Phe547fs; shifts the reading frame from phenylalanine 547.
Molecular consequence: frameshift variant.
Genome position (GRCh38, 1-based): chr4:10,077,377, A deleted on the plus strand (T on the coding strand, the reverse complement: WDR1 is on the minus strand); the first of 3 consecutive A bases (chr4:10,077,377-10,077,379); deleting any one gives the same sequence. VCF-style (leftmost placement, unchanged base first): chr4-10077376-CA-C. GRCh37 (hg19) VCF-style: chr4-10079000-CA-C.
Other names: p.Phe547Leufs*8; c.1221del, p.Phe407fs (NM_005112.5); short protein forms F547fs, F407fs.
Identifiers: ClinVar variation 4540974 (VCV004540974.1).